The following is an entry in ClinVar:

ClinVar aggregate classification (germline): Uncertain significance (1 of 4 stars; one submission).

Conditions:
Fanconi anemia (FA). Also called: Fanconi's anemia. Identifiers: Orphanet 84, MedGen C0015625, MeSH D005199, MONDO:0019391.

Allele frequency attached by ClinVar (database versions not stated): gnomAD exomes below 0.00001 and 0.00001; TOPMed below 0.00001; ExAC 0.00001; gnomAD 0.00001.

Submission:

Labcorp Genetics (formerly Invitae), Labcorp
Classification: Uncertain significance for Fanconi anemia. Last evaluated: 2022-08-09. Review status: criteria provided, single submitter. Criteria: Invitae Variant Classification Sherloc (09022015). Collection method: clinical testing. Allele origin: germline.
Comment: This sequence change replaces isoleucine, which is neutral and non-polar, with valine, which is neutral and non-polar, at codon 293 of the FANCF protein (p.Ile293Val). This variant is present in population databases (rs780747014, gnomAD 0.0009%). This variant has not been reported in the literature in individuals affected with FANCF-related conditions. ClinVar contains an entry for this variant (Variation ID: 854237). Algorithms developed to predict the effect of missense changes on protein structure and function output the following: SIFT: "Tolerated"; PolyPhen-2: "Benign"; Align-GVGD: "Class C0". The valine amino acid residue is found in multiple mammalian species, which suggests that this missense change does not adversely affect protein function. In summary, the available evidence is currently insufficient to determine the role of this variant in disease. Therefore, it has been classified as a Variant of Uncertain Significance.

NM_022725.4(FANCF):c.877A>G (p.Ile293Val)

Gene: FANCF (FA complementation group F; minus strand). Cytogenetic location: 11p14.3.
Variant type: single nucleotide variant.
Coding change: c.877A>G on transcript NM_022725.4 (MANE Select); coding-DNA position 877, A replaced by G.
Protein change: p.Ile293Val; replaces isoleucine 293 with valine.
Molecular consequence: missense variant.
Genome position (GRCh38, 1-based): chr11:22,624,934, T>C on the plus strand (A>G on the coding strand, the complement: FANCF is on the minus strand). VCF-style: chr11-22624934-T-C. GRCh37 (hg19) VCF-style: chr11-22646480-T-C.
Other names: short protein forms I293V.
Identifiers: ClinVar variation 854237 (VCV000854237.7), dbSNP rs780747014, ClinGen allele CA5924239.
Genomic context (GRCh38, chr11:22,624,934, plus strand): 5'-TTTGAAACCTATTGTGCAACTCCTCCCAGGGCACATCTTGGGACTCAGTTCCAACCCAAA[T>C]GCCTTTCTGAAGGTCATAGTGCAAACGTTGACCCCAGTCTGTTAGCAGACCCAGATAGAC-3'
Protein context (NP_073562.1, residues 283-303): QRLHYDLQKG[Ile293Val]WVGTESQDVP